The following is an entry in ClinVar:

ClinVar aggregate classification (germline): Likely benign. Review status: criteria provided, single submitter (1 of 4 stars). 2 submissions from 2 submitters: Likely benign (1). 1 of the submissions does not count toward it. Last evaluated 2024-11-25.

Conditions:
Inborn genetic diseases. Identifiers: MedGen C0950123, MeSH D030342.
DNMT3A-related disorder. Also called: DNMT3A-related disorders; DNMT3A-related condition.

gnomAD v4.1: 25 of 1,613,366 alleles (0.0015%); highest among the groups gnomAD compares: Admixed American, 0.0033%; no homozygotes.

Submissions (2):

Ambry Genetics
Classification: Likely benign for Inborn genetic diseases. Last evaluated: 2024-11-25. Review status: criteria provided, single submitter. Criteria: Ambry Variant Classification Scheme 2023. Collection method: clinical testing. Allele origin: germline.

PreventionGenetics, part of Exact Sciences
Classification: Likely benign for DNMT3A-related condition. Last evaluated: 2024-03-07. Review status: no assertion criteria provided. Collection method: clinical testing. Allele origin: germline. Not counted in ClinVar's aggregate classification.
Comment: This variant is classified as likely benign based on ACMG/AMP sequence variant interpretation guidelines (Richards et al. 2015 PMID: 25741868, with internal and published modifications).

NM_022552.5(DNMT3A):c.783G>A (p.Thr261=)

Gene: DNMT3A (DNA methyltransferase 3 alpha; minus strand). Cytogenetic location: 2p23.3.
Variant type: single nucleotide variant.
Coding change: c.783G>A on transcript NM_022552.5 (MANE Select); coding-DNA position 783, G replaced by A.
Protein change: p.Thr261=; no amino-acid change (threonine 261 retained).
Molecular consequence: synonymous variant. On other transcripts: non-coding transcript variant (1).
Genome position (GRCh38, 1-based): chr2:25,248,109, C>T on the plus strand (G>A on the coding strand, the complement: DNMT3A is on the minus strand). VCF-style: chr2-25248109-C-T. GRCh37 (hg19) VCF-style: chr2-25470978-C-T.
Other names: c.327G>A, p.Thr109= (NM_001320893.1); c.114G>A, p.Thr38= (NM_001375819.1); c.216G>A, p.Thr72= (NM_153759.3); c.783G>A, p.Thr261= (NM_175629.2); c.783G>A (NM_022552.3).
Identifiers: ClinVar variation 3355309 (VCV003355309.2).